The following is an entry in ClinVar:

NM_000350.3(ABCA4):c.5396A>G (p.Asn1799Ser)

Gene: ABCA4 (ATP binding cassette subfamily A member 4; minus strand). Cytogenetic location: 1p22.1.
Variant type: single nucleotide variant.
Coding change: c.5396A>G on transcript NM_000350.3 (MANE Select); coding-DNA position 5396, A replaced by G.
Protein change: p.Asn1799Ser; replaces asparagine 1799 with serine.
Molecular consequence: missense variant.
Genome position (GRCh38, 1-based): chr1:94,014,607, T>C on the plus strand (A>G on the coding strand, the complement: ABCA4 is on the minus strand). VCF-style: chr1-94014607-T-C. GRCh37 (hg19) VCF-style: chr1-94480163-T-C.
Other names: c.5174A>G, p.Asn1725Ser (NM_001425324.1); short protein forms N1799S, N1725S.
Identifiers: ClinVar variation 4087974 (VCV004087974.2).

ClinVar aggregate classification (germline): Conflicting classifications of pathogenicity. Review status: criteria provided, conflicting classifications (1 of 4 stars). 2 submissions from 2 submitters: Likely pathogenic (1); Uncertain significance (1). Last evaluated 2025-11-25.

Conditions:
Retinal disorder. Also called: Retinopathy; Retinopathies; Retinal Diseases; Retinal disorders. Identifiers: MedGen C0035309, MONDO:0005283, HP:0000488.

Submissions (2):

Genetics Laboratory, Great Ormond Street Hospital NHS Foundation Trust, North Thames Genomic Laboratory Hub
Classification: Likely pathogenic for Retinal disorders. Last evaluated: 2025-11-25. Review status: criteria provided, single submitter. Criteria: ACGS Best Practice Guidelines for Variant Classification in Rare Disease 2024 v1.2. Collection method: clinical testing. Allele origin: germline. Affected: yes.
Comment: PM2_moderate, PP3_supporting, PM3_moderate, PP4_supporting

GeneDx
Classification: Uncertain significance. Last evaluated: 2025-03-27. Review status: criteria provided, single submitter. Criteria: GeneDx Variant Classification Process June 2021. Collection method: clinical testing. Allele origin: germline. Affected: yes.
Comment: Identified with a second variant in a patient with inherited retinal disease, however additional clinical and segregation information was not provided (PMID: 38219857); Not observed at significant frequency in large population cohorts (gnomAD); In silico analysis supports that this missense variant has a deleterious effect on protein structure/function; This variant is associated with the following publications: (PMID: 38219857, 11385708)